The following is an entry in ClinVar:

ClinVar aggregate classification (germline): Uncertain significance. Review status: criteria provided, multiple submitters, no conflicts (2 of 4 stars). 2 submissions from 2 submitters: Uncertain significance (2). Last evaluated 2023-09-29.

Conditions:
POLD1-related polyposis and colorectal cancer syndrome (CRCS10). Also called: Colorectal cancer 10; COLORECTAL CANCER, SUSCEPTIBILITY TO, ON CHROMOSOME 19q; Colorectal cancer, susceptibility to, 10. Identifiers: Orphanet 220460, MedGen C2675481, MONDO:0012953, OMIM 612591.
Hereditary cancer-predisposing syndrome. Also called: Tumor predisposition; Hereditary Cancer Syndrome; Hereditary neoplastic syndrome; Neoplastic Syndromes, Hereditary. Identifiers: Orphanet 140162, MedGen C0027672, MeSH D009386, MONDO:0015356.

Submissions (2):

Ambry Genetics
Classification: Uncertain significance for Hereditary cancer-predisposing syndrome. Last evaluated: 2023-09-29. Review status: criteria provided, single submitter. Criteria: Ambry Variant Classification Scheme 2023. Collection method: clinical testing. Allele origin: germline.
Comment: The p.V844I variant (also known as c.2530G>A), located in coding exon 19 of the POLD1 gene, results from a G to A substitution at nucleotide position 2530. The valine at codon 844 is replaced by isoleucine, an amino acid with highly similar properties. This amino acid position is conserved. In addition, this alteration is predicted to be tolerated by in silico analysis. Since supporting evidence is limited at this time, the clinical significance of this alteration remains unclear.

Labcorp Genetics (formerly Invitae), Labcorp
Classification: Uncertain significance for POLD1-related polyposis and colorectal cancer syndrome. Last evaluated: 2019-11-09. Review status: criteria provided, single submitter. Criteria: Invitae Variant Classification Sherloc (09022015). Collection method: clinical testing. Allele origin: germline.
Comment: In summary, the available evidence is currently insufficient to determine the role of this variant in disease. Therefore, it has been classified as a Variant of Uncertain Significance. Algorithms developed to predict the effect of missense changes on protein structure and function (SIFT, PolyPhen-2, Align-GVGD) all suggest that this variant is likely to be tolerated, but these predictions have not been confirmed by published functional studies and their clinical significance is uncertain. This variant has not been reported in the literature in individuals with POLD1-related conditions. This variant is not present in population databases (ExAC no frequency). This sequence change replaces valine with isoleucine at codon 844 of the POLD1 protein (p.Val844Ile). The valine residue is weakly conserved and there is a small physicochemical difference between valine and isoleucine.

NM_002691.4(POLD1):c.2530G>A (p.Val844Ile)

Gene: POLD1 (DNA polymerase delta 1, catalytic subunit; plus strand). Cytogenetic location: 19q13.33.
Variant type: single nucleotide variant.
Coding change: c.2530G>A on transcript NM_002691.4 (MANE Select); coding-DNA position 2530, G replaced by A.
Protein change: p.Val844Ile; replaces valine 844 with isoleucine.
Molecular consequence: missense variant. On other transcripts: non-coding transcript variant (1).
Genome position (GRCh38, 1-based): chr19:50,414,956, G>A. VCF-style: chr19-50414956-G-A. GRCh37 (hg19) VCF-style: chr19-50918213-G-A.
Other names: c.2530G>A, p.Val844Ile (NM_001256849.1); c.2608G>A, p.Val870Ile (NM_001308632.1); c.2530G>A (NM_002691.2); short protein forms V844I, V870I.
Identifiers: ClinVar variation 962296 (VCV000962296.10), dbSNP rs2039221918, ClinGen allele CA406985191.